The following is an entry in ClinVar:

NM_000890.5(KCNJ5):c.343C>T (p.Arg115Trp)

Gene: KCNJ5 (potassium inwardly rectifying channel subfamily J member 5; plus strand). Cytogenetic location: 11q24.3.
Variant type: single nucleotide variant.
Coding change: c.343C>T on transcript NM_000890.5 (MANE Select); coding-DNA position 343, C replaced by T.
Protein change: p.Arg115Trp; replaces arginine 115 with tryptophan.
Molecular consequence: missense variant.
Genome position (GRCh38, 1-based): chr11:128,911,616, C>T. VCF-style: chr11-128911616-C-T. GRCh37 (hg19) VCF-style: chr11-128781511-C-T.
Other names: c.343C>T, p.Arg115Trp (NM_001354169.2); short protein forms R115W.
Identifiers: ClinVar variation 2421604 (VCV002421604.7), dbSNP rs773876315, ClinGen allele CA6357857.

ClinVar aggregate classification (germline): Uncertain significance. Review status: criteria provided, multiple submitters, no conflicts (2 of 4 stars). 2 submissions from 2 submitters: Uncertain significance (2). Last evaluated 2025-05-17.

Conditions:
Cardiovascular phenotype. Identifiers: MedGen CN230736.
Long QT syndrome (LQTS). Identifiers: MedGen C0023976, MeSH D008133, MONDO:0002442. Disease mechanism: loss of function. Inheritance: Various modes of inheritance.

Allele frequency attached by ClinVar (database versions not stated): ExAC 0.00001; gnomAD 0.00003.

Submissions (2):

Ambry Genetics
Classification: Uncertain significance for Cardiovascular phenotype. Last evaluated: 2025-05-17. Review status: criteria provided, single submitter. Criteria: Ambry Variant Classification Scheme 2023. Collection method: clinical testing. Allele origin: germline.
Comment: The p.R115W variant (also known as c.343C>T), located in coding exon 1 of the KCNJ5 gene, results from a C to T substitution at nucleotide position 343. The arginine at codon 115 is replaced by tryptophan, an amino acid with dissimilar properties. This variant has been detected as a somatic finding in individual(s) with aldosterone-producing adenomas (Cheng CJ et al. J Clin Endocrinol Metab, 2015 Jan;100:E155-63; De Sousa K et al. Hypertension. 2020 Apr;75(4):1034-1044). Based on data from gnomAD, the frequency for this variant is above the maximum credible frequency for a long QT syndrome-causing variant in this gene based on internally established thresholds (Karczewski et al. Nature. 2020 May;581(7809):434-443; Whiffin et al. Genet Med. 2017 10;19:1151-1158). This amino acid position is highly conserved in available vertebrate species. In addition, this alteration is predicted to be deleterious by in silico analysis. Based on the available evidence, the clinical significance of this variant remains unclear.

Labcorp Genetics (formerly Invitae), Labcorp
Classification: Uncertain significance for Long QT syndrome. Last evaluated: 2025-03-18. Review status: criteria provided, single submitter. Criteria: Invitae Variant Classification Sherloc (09022015). Collection method: clinical testing. Allele origin: germline.
Comment: This sequence change replaces arginine, which is basic and polar, with tryptophan, which is neutral and slightly polar, at codon 115 of the KCNJ5 protein (p.Arg115Trp). This variant is present in population databases (rs773876315, gnomAD 0.004%). This variant has not been reported in the literature in individuals affected with KCNJ5-related conditions. ClinVar contains an entry for this variant (Variation ID: 2421604). Invitae Evidence Modeling of protein sequence and biophysical properties (such as structural, functional, and spatial information, amino acid conservation, physicochemical variation, residue mobility, and thermodynamic stability) indicates that this missense variant is expected to disrupt KCNJ5 protein function with a positive predictive value of 80%. Experimental studies have shown that this missense change affects KCNJ5 function (PMID: 25347571). In summary, the available evidence is currently insufficient to determine the role of this variant in disease. Therefore, it has been classified as a Variant of Uncertain Significance.

Literature cited by the submitters: PubMed 25347571 (cited by Ambry Genetics and Labcorp Genetics (formerly Invitae), Labcorp); PubMed 32114847 (cited by Ambry Genetics).